The following is an entry in ClinVar:

ClinVar aggregate classification (germline): Uncertain significance (1 of 4 stars; one submission).

Allele frequency attached by ClinVar (database versions not stated): gnomAD exomes 0.00001; TOPMed below 0.00001.

Submission:

Labcorp Genetics (formerly Invitae), Labcorp
Classification: Uncertain significance. Last evaluated: 2025-11-13. Review status: criteria provided, single submitter. Criteria: Invitae Variant Classification Sherloc (09022015). Collection method: clinical testing. Allele origin: germline.
Comment: This sequence change falls in intron 22 of the NBAS gene. It does not directly change the encoded amino acid sequence of the NBAS protein. It affects a nucleotide within the consensus splice site. This variant is not present in population databases (gnomAD no frequency). This variant has not been reported in the literature in individuals affected with NBAS-related conditions. ClinVar contains an entry for this variant (Variation ID: 1508442). Variants that disrupt the consensus splice site are a relatively common cause of aberrant splicing (PMID: 17576681, 9536098). Algorithms developed to predict the effect of sequence changes on RNA splicing suggest that this variant may disrupt the consensus splice site. In summary, the available evidence is currently insufficient to determine the role of this variant in disease. Therefore, it has been classified as a Variant of Uncertain Significance.

Literature cited by the submitters: PubMed 17576681; PubMed 9536098.

NM_015909.4(NBAS):c.2423+5_2423+9del

Gene: NBAS (NBAS subunit of NRZ tethering complex; minus strand). Cytogenetic location: 2p24.3.
Variant type: Deletion.
Coding change: c.2423+5_2423+9del on transcript NM_015909.4 (MANE Select); bases 5 to 9 of the intron after coding-DNA position 2423, 5 bases deleted (GTATG; older notation c.2423+5_2423+9delGTATG).
Molecular consequence: intron variant.
Genome position (GRCh38, 1-based): chr2:15,427,702-15,427,706, CATAC deleted on the plus strand (GTATG on the coding strand, the reverse complement: NBAS is on the minus strand). VCF-style (leftmost placement, unchanged base first): chr2-15427701-TCATAC-T. GRCh37 (hg19) VCF-style: chr2-15567825-TCATAC-T.
Identifiers: ClinVar variation 1508442 (VCV001508442.4), dbSNP rs1677546672, ClinGen allele CA2490890727.